The following is an entry in ClinVar:

NM_001110556.2(FLNA):c.2205C>T (p.Tyr735=)

Gene: FLNA (filamin A; minus strand). Cytogenetic location: Xq28.
Variant type: single nucleotide variant.
Coding change: c.2205C>T on transcript NM_001110556.2 (MANE Select); coding-DNA position 2205, C replaced by T.
Protein change: p.Tyr735=; no amino-acid change (tyrosine 735 retained).
Molecular consequence: synonymous variant.
Genome position (GRCh38, 1-based): chrX:154,364,097, G>A on the plus strand (C>T on the coding strand, the complement: FLNA is on the minus strand). VCF-style: chrX-154364097-G-A. GRCh37 (hg19) VCF-style: chrX-153592465-G-A.
Other names: p.Y735Y:TAC>TAT; c.2205C>T, p.Tyr735= (NM_001456.4).
Identifiers: ClinVar variation 213440 (VCV000213440.22), dbSNP rs782551055, ClinGen allele CA322615.

ClinVar aggregate classification (germline): Conflicting classifications of pathogenicity. Review status: criteria provided, conflicting classifications (1 of 4 stars). 5 submissions from 5 submitters: Uncertain significance (1); Benign (2); Likely benign (2). Last evaluated 2025-12-24.

Conditions:
Melnick-Needles syndrome (MNS). Also called: MELNICK-NEEDLES OSTEODYSPLASTY; Melnick-Needles Syndrome (FLNA-MNS); OSTEODYSPLASTY OF MELNICK AND NEEDLES. Identifiers: Orphanet 2484, MedGen C0025237, MONDO:0010650, OMIM 309350.
Heterotopia, periventricular, X-linked dominant (PVNH1). Also called: PERIVENTRICULAR NODULAR HETEROTOPIA 4; HETEROTOPIA, PERIVENTRICULAR, 1; X-linked periventricular heterotopia; PERIVENTRICULAR NODULAR HETEROTOPIA 1. Identifiers: Orphanet 2149, Orphanet 82004, MedGen C1848213, MONDO:0010233, OMIM 300049.
Oto-palato-digital syndrome, type II (OPD2). Also called: FACIOPALATOOSSEOUS SYNDROME; Otopalatodigital Syndrome, Type II; Otopalatodigital Syndrome Type 2 (FLNA-OPD2); OPD II SYNDROME. Identifiers: Orphanet 669, Orphanet 90652, MedGen C1844696, MONDO:0010571, OMIM 304120.
Frontometaphyseal dysplasia (FMD1). Identifiers: Orphanet 1826, MedGen C0265293, MONDO:0015942.
Familial thoracic aortic aneurysm and aortic dissection (TAAD). Also called: Thoracic aortic aneurysms and dissections. Identifiers: Orphanet 91387, MedGen C4707243, MONDO:0019625.

Allele frequency attached by ClinVar (database versions not stated): gnomAD 0.00002; ExAC 0.00003; TOPMed 0.00003; gnomAD exomes 0.00006 and 0.00007.
gnomAD v4.1: 65 of 1,208,763 alleles (0.0054%); highest among the groups gnomAD compares: Admixed American, 0.0087%; no homozygotes.

Submissions (5):

Labcorp Genetics (formerly Invitae), Labcorp
Classification: Likely benign for Oto-palato-digital syndrome, type II; Heterotopia, periventricular, X-linked dominant; Frontometaphyseal dysplasia; Melnick-Needles syndrome. Last evaluated: 2025-12-24. Review status: criteria provided, single submitter. Criteria: Invitae Variant Classification Sherloc (09022015). Collection method: clinical testing. Allele origin: germline.

CeGaT Center for Human Genetics Tuebingen
Classification: Likely benign. Last evaluated: 2025-06-01. Review status: criteria provided, single submitter. Criteria: CeGaT Center For Human Genetics Tuebingen Variant Classification Criteria Version 2. Collection method: clinical testing. Allele origin: germline. Affected: yes. Observed: 1 variant allele.
Comment: FLNA: BP4, BP7, BS2

Women's Health and Genetics/Laboratory Corporation of America, LabCorp
Classification: Benign. Last evaluated: 2024-04-29. Review status: criteria provided, single submitter. Criteria: LabCorp Variant Classification Summary - May 2015. Collection method: clinical testing. Allele origin: germline.

Ambry Genetics
Classification: Uncertain significance for Familial thoracic aortic aneurysm and aortic dissection. Last evaluated: 2023-06-20. Review status: criteria provided, single submitter. Criteria: Ambry Variant Classification Scheme 2023. Collection method: clinical testing. Allele origin: germline.
Comment: The c.2205C>T variant (also known as p.Y735Y), located in coding exon 14 of the FLNA gene, results from a C to T substitution at nucleotide position 2205. This nucleotide substitution does not change the tyrosine at codon 735. Based on data from gnomAD, the T allele has an overall frequency of 0.0064% (13/203434) total alleles studied, with 3 hemizygote(s) observed. The highest observed frequency was 0.0107% (3/28003) of Latino alleles. This nucleotide position is poorly conserved in available vertebrate species. In silico splice site analysis for this alteration is inconclusive. Since supporting evidence is limited at this time, the clinical significance of this alteration remains unclear.

GeneDx
Classification: Benign. Last evaluated: 2014-08-14. Review status: criteria provided, single submitter. Criteria: GeneDx Variant Classification (06012015). Collection method: clinical testing. Allele origin: germline. Affected: yes.
Comment: This variant is considered likely benign or benign based on one or more of the following criteria: it is a conservative change, it occurs at a poorly conserved position in the protein, it is predicted to be benign by multiple in silico algorithms, and/or has population frequency not consistent with disease.